The following is an entry in ClinVar:

NM_198578.4(LRRK2):c.740T>C (p.Val247Ala)

Gene: LRRK2 (leucine rich repeat kinase 2; plus strand). Cytogenetic location: 12q12.
Variant type: single nucleotide variant.
Coding change: c.740T>C on transcript NM_198578.4 (MANE Select); coding-DNA position 740, T replaced by C.
Protein change: p.Val247Ala; replaces valine 247 with alanine.
Molecular consequence: missense variant.
Genome position (GRCh38, 1-based): chr12:40,243,583, T>C. VCF-style: chr12-40243583-T-C. GRCh37 (hg19) VCF-style: chr12-40637385-T-C.
Other names: short protein forms V247A.
Identifiers: ClinVar variation 3229790 (VCV003229790.1), dbSNP rs773312233, ClinGen allele CA384405818.

ClinVar aggregate classification (germline): Uncertain significance (1 of 4 stars; one submission).

Conditions:
Inborn genetic diseases. Identifiers: MedGen C0950123, MeSH D030342.

Submission:

Ambry Genetics
Classification: Uncertain significance for Inborn genetic diseases. Last evaluated: 2023-10-06. Review status: criteria provided, single submitter. Criteria: Ambry Variant Classification Scheme 2023. Collection method: clinical testing. Allele origin: germline.
Comment: The p.V247A variant (also known as c.740T>C), located in coding exon 7 of the LRRK2 gene, results from a T to C substitution at nucleotide position 740. The valine at codon 247 is replaced by alanine, an amino acid with similar properties. This amino acid position is conserved. In addition, the in silico prediction for this alteration is inconclusive. Since supporting evidence is limited at this time, the clinical significance of this alteration remains unclear.